The following is an entry in ClinVar:

ClinVar aggregate classification (germline): Pathogenic. Review status: criteria provided, multiple submitters, no conflicts (2 of 4 stars). 3 submissions from 3 submitters: Pathogenic (3). Last evaluated 2024-10-31.

Conditions:
Glycogen storage disease, type V (GSD5). Also called: PYGM DEFICIENCY; McArdle type glycogen storage disease; MCARDLE DISEASE; MUSCLE GLYCOGEN PHOSPHORYLASE DEFICIENCY; MYOPHOSPHORYLASE DEFICIENCY. Identifiers: Orphanet 368, MedGen C0017924, MONDO:0009293, OMIM 232600.

Allele frequency attached by ClinVar (database versions not stated): gnomAD exomes 0.00001; TOPMed 0.00001.

Submissions (3):

Labcorp Genetics (formerly Invitae), Labcorp
Classification: Pathogenic for Glycogen storage disease, type V. Last evaluated: 2024-10-31. Review status: criteria provided, single submitter. Criteria: Invitae Variant Classification Sherloc (09022015). Collection method: clinical testing. Allele origin: germline.
Comment: This sequence change creates a premature translational stop signal (p.Leu493Trpfs*46) in the PYGM gene. It is expected to result in an absent or disrupted protein product. Loss-of-function variants in PYGM are known to be pathogenic (PMID: 8316268, 16786513). This variant is not present in population databases (gnomAD no frequency). This variant has not been reported in the literature in individuals affected with PYGM-related conditions. ClinVar contains an entry for this variant (Variation ID: 960283). For these reasons, this variant has been classified as Pathogenic.

Institute of Immunology and Genetics Kaiserslautern
Classification: Pathogenic for Glycogen storage disease, type V. Last evaluated: 2023-07-19. Review status: criteria provided, single submitter. Criteria: ACMG Guidelines, 2015. Collection method: clinical testing. Allele origin: maternal. Affected: yes.
Comment: ACMG Criteria: PVS1, PM2, PP5; Variant was found in compound heterozygous state with NM_005609.4:c.148C>T.

Revvity Omics, Revvity
Classification: Pathogenic for Glycogen storage disease, type V. Last evaluated: 2023-05-24. Review status: criteria provided, single submitter. Criteria: ACMG Guidelines, 2015. Collection method: clinical testing. Allele origin: germline.

Literature cited by the submitters: PubMed 8316268 (cited by Labcorp Genetics (formerly Invitae), Labcorp); PubMed 16786513 (cited by Labcorp Genetics (formerly Invitae), Labcorp).

NM_005609.4(PYGM):c.1477del (p.Leu493fs)

Gene: PYGM (glycogen phosphorylase, muscle associated; minus strand). Cytogenetic location: 11q13.1.
Variant type: Deletion.
Coding change: c.1477del on transcript NM_005609.4 (MANE Select); coding-DNA position 1477, one base deleted (C; older notation c.1477delC).
Protein change: p.Leu493fs; shifts the reading frame from leucine 493.
Molecular consequence: frameshift variant.
Genome position (GRCh38, 1-based): chr11:64,753,114, G deleted on the plus strand (C on the coding strand, the reverse complement: PYGM is on the minus strand). VCF-style (leftmost placement, unchanged base first): chr11-64753113-AG-A. GRCh37 (hg19) VCF-style: chr11-64520585-AG-A.
Other names: c.1213del, p.Leu405fs (NM_001164716.1); short protein forms L405fs, L493fs.
Identifiers: ClinVar variation 960283 (VCV000960283.10), dbSNP rs2058367842, ClinGen allele CA1139662018.